The following is an entry in ClinVar:

ClinVar aggregate classification (germline): Likely pathogenic (1 of 4 stars; one submission).

Conditions:
Congenital multicore myopathy with external ophthalmoplegia (CMYO1B). Also called: MULTIMINICORE DISEASE WITH EXTERNAL OPHTHALMOPLEGIA; Minicore myopathy with external ophthalmoplegia; Congenital myopathy 1B, autosomal recessive; Minicore myopathy; MULTICORE MYOPATHY. Identifiers: Orphanet 598, Orphanet 98905, MedGen C1850674, MONDO:0009712, OMIM 255320, HP:0003789.

Submission:

Juno Genomics, Hangzhou Juno Genomics, Inc
Classification: Likely pathogenic for Congenital multicore myopathy with external ophthalmoplegia. Review status: criteria provided, single submitter. Criteria: ACMG Guidelines, 2015. Collection method: clinical testing. Allele origin: germline.
Comment: Null variant in a gene where loss of function (LOF) is a known mechanism of disease.;Absent from controls (or at extremely low frequency if recessive) in Genome Aggregation Database.

NM_000540.3(RYR1):c.1644_1648del (p.Lys549fs)

Gene: RYR1 (ryanodine receptor 1; plus strand). Cytogenetic location: 19q13.2.
Variant type: Deletion.
Coding change: c.1644_1648del on transcript NM_000540.3 (MANE Select); coding-DNA positions 1644 to 1648, 5 bases deleted (CAAGC; older notation c.1644_1648delCAAGC).
Protein change: p.Lys549fs; shifts the reading frame from lysine 549.
Molecular consequence: frameshift variant.
Genome position (GRCh38, 1-based): chr19:38,455,518-38,455,522, CAAGC deleted. VCF-style (leftmost placement, unchanged base first): chr19-38455517-GCAAGC-G. GRCh37 (hg19) VCF-style: chr19-38946157-GCAAGC-G.
Other names: c.1644_1648del, p.Lys549fs (NM_001042723.2); short protein forms K549fs.
Identifiers: ClinVar variation 5005975 (VCV005005975.2).